The following is an entry in ClinVar:

NM_003108.4(SOX11):c.1041C>G (p.Ser347Arg)

Gene: SOX11 (SRY-box transcription factor 11; plus strand). Cytogenetic location: 2p25.2.
Variant type: single nucleotide variant.
Coding change: c.1041C>G on transcript NM_003108.4 (MANE Select); coding-DNA position 1041, C replaced by G.
Protein change: p.Ser347Arg; replaces serine 347 with arginine.
Molecular consequence: missense variant.
Genome position (GRCh38, 1-based): chr2:5,693,762, C>G. VCF-style: chr2-5693762-C-G. GRCh37 (hg19) VCF-style: chr2-5833894-C-G.
Other names: c.1041C>G (NM_003108.3); short protein forms S347R.
Identifiers: ClinVar variation 3251952 (VCV003251952.2), dbSNP rs760818536.

ClinVar aggregate classification (germline): Uncertain significance. Review status: criteria provided, multiple submitters, no conflicts (2 of 4 stars). 2 submissions from 2 submitters: Uncertain significance (2). Last evaluated 2024-06-25.

Conditions:
Inborn genetic diseases. Identifiers: MedGen C0950123, MeSH D030342.
Hypogonadotropic hypogonadism. Also called: Hypogonadotrophic hypogonadism; Isolated hypogonadotropic hypogonadism; Hypogonadotropic hypogonadism with or without anosmia; Low gonadotropins (secondary hypogonadism). Identifiers: Orphanet 432, MedGen C0271623, MONDO:0018555, HP:0000044.

Allele frequency attached by ClinVar (database versions not stated): TOPMed 0.00001.

Submissions (2):

Reproductive Endocrine Unit, Massachusetts General Hospital
Classification: Uncertain significance for HYPOGONADOTROPIC HYPOGONADISM. Last evaluated: 2024-06-25. Review status: criteria provided, single submitter. Criteria: ACMG Guidelines, 2015. Collection method: research. Allele origin: unknown. Affected: yes.
Comment: PM2,PP2,BP4

Ambry Genetics
Classification: Uncertain significance for Inborn genetic diseases. Last evaluated: 2024-04-15. Review status: criteria provided, single submitter. Criteria: Ambry Variant Classification Scheme 2023. Collection method: clinical testing. Allele origin: germline.